The following is an entry in ClinVar:

ClinVar aggregate classification (germline): Uncertain significance. Review status: criteria provided, multiple submitters, no conflicts (2 of 4 stars). 3 submissions from 3 submitters: Uncertain significance (3). Last evaluated 2025-07-15.

Conditions:
Hereditary cancer-predisposing syndrome. Also called: Neoplastic Syndromes, Hereditary; Tumor predisposition; Hereditary Cancer Syndrome; Hereditary neoplastic syndrome. Identifiers: Orphanet 140162, MedGen C0027672, MeSH D009386, MONDO:0015356.

Allele frequency attached by ClinVar (database versions not stated): gnomAD exomes below 0.00001 and 0.00001; ExAC 0.00001.
gnomAD v4.1: 4 of 1,614,026 alleles (0.00025%); highest among the groups gnomAD compares: Admixed American, 0.0033%; no homozygotes.

Submissions (3):

Ambry Genetics
Classification: Uncertain significance for Hereditary cancer-predisposing syndrome. Last evaluated: 2025-07-15. Review status: criteria provided, single submitter. Criteria: Ambry Variant Classification Scheme 2023. Collection method: clinical testing. Allele origin: germline.
Comment: The p.E1949K variant (also known as c.5845G>A), located in coding exon 43 of the POLE gene, results from a G to A substitution at nucleotide position 5845. The glutamic acid at codon 1949 is replaced by lysine, an amino acid with similar properties. This amino acid position is conserved. In addition, this alteration is predicted to be tolerated by in silico analysis. Since supporting evidence is limited at this time, the clinical significance of this alteration remains unclear.

Center for Genomic Medicine, Rigshospitalet, Copenhagen University Hospital
Classification: Uncertain significance. Last evaluated: 2025-03-04. Review status: criteria provided, single submitter. Criteria: ACMG Guidelines, 2015. Collection method: clinical testing. Allele origin: germline.

Labcorp Genetics (formerly Invitae), Labcorp
Classification: Uncertain significance. Last evaluated: 2024-09-10. Review status: criteria provided, single submitter. Criteria: Invitae Variant Classification Sherloc (09022015). Collection method: clinical testing. Allele origin: germline.
Comment: This sequence change replaces glutamic acid, which is acidic and polar, with lysine, which is basic and polar, at codon 1949 of the POLE protein (p.Glu1949Lys). This variant is present in population databases (rs779394509, gnomAD 0.006%). This variant has not been reported in the literature in individuals affected with POLE-related conditions. ClinVar contains an entry for this variant (Variation ID: 473769). An algorithm developed to predict the effect of missense changes on protein structure and function (PolyPhen-2) suggests that this variant¬†is likely to be tolerated. In summary, the available evidence is currently insufficient to determine the role of this variant in disease. Therefore, it has been classified as a Variant of Uncertain Significance.

NM_006231.4(POLE):c.5845G>A (p.Glu1949Lys)

Gene: POLE (DNA polymerase epsilon, catalytic subunit; minus strand). Cytogenetic location: 12q24.33.
Variant type: single nucleotide variant.
Coding change: c.5845G>A on transcript NM_006231.4 (MANE Select); coding-DNA position 5845, G replaced by A.
Protein change: p.Glu1949Lys; replaces glutamic acid 1949 with lysine.
Molecular consequence: missense variant.
Genome position (GRCh38, 1-based): chr12:132,634,345, C>T on the plus strand (G>A on the coding strand, the complement: POLE is on the minus strand). VCF-style: chr12-132634345-C-T. GRCh37 (hg19) VCF-style: chr12-133210931-C-T.
Other names: c.5845G>A (NM_006231.2); short protein forms E1949K.
Identifiers: ClinVar variation 473769 (VCV000473769.16), dbSNP rs779394509, ClinGen allele CA6892357.
Genomic context (GRCh38, chr12:132,634,345, plus strand): 5'-CCTCCGCCTCTTCCTCCTCCTCCCCATCTCTTTCCTCCTCATCGTCCTCATTTTCCTGCT[C>T]ATCCTCTGCTCCCCCTGCTTTCTGGGAGTCTTGCTGTAACACATGAGACAACGCGGCTGT-3'
Protein context (NP_006222.2, residues 1939-1959): DSQKAGGAED[Glu1949Lys]QENEDDEEER